The following is an entry in ClinVar:

ClinVar aggregate classification (germline): Uncertain significance. Review status: criteria provided, multiple submitters, no conflicts (2 of 4 stars). 2 submissions from 2 submitters: Uncertain significance (2). Last evaluated 2025-06-27.

Allele frequency attached by ClinVar (database versions not stated): ExAC 0.00003; gnomAD 0.00004; TOPMed 0.00005; gnomAD exomes 0.00007.
gnomAD v4.1: 101 of 1,604,572 alleles (0.0063%); highest among the groups gnomAD compares: Non-Finnish European, 0.0077%; no homozygotes.

Submissions (2):

Labcorp Genetics (formerly Invitae), Labcorp
Classification: Uncertain significance. Last evaluated: 2025-06-27. Review status: criteria provided, single submitter. Criteria: Invitae Variant Classification Sherloc (09022015). Collection method: clinical testing. Allele origin: germline.
Comment: This sequence change replaces arginine, which is basic and polar, with histidine, which is basic and polar, at codon 472 of the MICAL1 protein (p.Arg472His). The frequency data for this variant in the population databases is considered unreliable, as metrics indicate poor data quality at this position in the gnomAD database. This variant has not been reported in the literature in individuals affected with MICAL1-related conditions. ClinVar contains an entry for this variant (Variation ID: 2190435). An algorithm developed to predict the effect of missense changes on protein structure and function outputs the following: PolyPhen-2: "Benign". The histidine amino acid residue is found in multiple mammalian species, which suggests that this missense change does not adversely affect protein function. In summary, the available evidence is currently insufficient to determine the role of this variant in disease. Therefore, it has been classified as a Variant of Uncertain Significance.

Ambry Genetics
Classification: Uncertain significance. Last evaluated: 2025-04-14. Review status: criteria provided, single submitter. Criteria: Ambry Variant Classification Scheme 2023. Collection method: clinical testing. Allele origin: germline.

NM_022765.4(MICAL1):c.1358G>A (p.Arg453His)

Gene: MICAL1 (microtubule associated monooxygenase, calponin and LIM domain containing 1; minus strand). Cytogenetic location: 6q21.
Variant type: single nucleotide variant.
Coding change: c.1358G>A on transcript NM_022765.4 (MANE Select); coding-DNA position 1358, G replaced by A.
Protein change: p.Arg453His; replaces arginine 453 with histidine.
Molecular consequence: missense variant.
Genome position (GRCh38, 1-based): chr6:109,449,733, C>T on the plus strand (G>A on the coding strand, the complement: MICAL1 is on the minus strand). VCF-style: chr6-109449733-C-T. GRCh37 (hg19) VCF-style: chr6-109770936-C-T.
Other names: c.1100G>A, p.Arg367His (NM_001159291.2); c.1415G>A, p.Arg472His (NM_001286613.2); c.1358G>A (NM_022765.3); short protein forms R367H, R472H, R453H.
Identifiers: ClinVar variation 2190435 (VCV002190435.6), dbSNP rs781333142, ClinGen allele CA3953424.
Genomic context (GRCh38, chr6:109,449,733, plus strand): 5'-GCCCGGAGGTTCAGGTTGGGGTAGCGGGTGGCTGGGTCCAGCCCATACTGGGCCACATTG[C>T]GATGCATGTTTTCTGGGGATGTCTGTGACAGAAGCTGGTACAGGCTCTCACTGAGGGGGT-3'
Protein context (NP_073602.3, residues 443-463): LSQTSPENMH[Arg453His]NVAQYGLDPA